The following is an entry in ClinVar:

NM_016616.5(NME8):c.922A>T (p.Lys308Ter)

Gene: NME8 (NME/NM23 family member 8; plus strand). Cytogenetic location: 7p14.1.
Variant type: single nucleotide variant.
Coding change: c.922A>T on transcript NM_016616.5 (MANE Select); coding-DNA position 922, A replaced by T.
Protein change: p.Lys308Ter; replaces lysine 308 with a stop codon.
Molecular consequence: nonsense.
Genome position (GRCh38, 1-based): chr7:37,876,935, A>T. VCF-style: chr7-37876935-A-T. GRCh37 (hg19) VCF-style: chr7-37916537-A-T.
Other names: short protein forms K308*.
Identifiers: ClinVar variation 3700179 (VCV003700179.2).
Genomic context (GRCh38, chr7:37,876,935, plus strand): 5'-GACATTGAAGAGGATGCAGCTAATGTTGCTAAGTTCATGGATGCTTTCTTCCCCGATTTT[A>T]AAAAAATGAAAAGCATGAAATTAGAAAAGACATTGGCATTACTTCGACCAAATCTCTTTC-3'

ClinVar aggregate classification (germline): Uncertain significance (1 of 4 stars; one submission).

Conditions:
Primary ciliary dyskinesia 6. Also called: Primary Ciliary Dyskinesia 6: TXNDC3-Related Primary Ciliary Dyskinesia. Identifiers: Orphanet 244, MedGen C1970506, MONDO:0012571, OMIM 610852.

Submission:

Labcorp Genetics (formerly Invitae), Labcorp
Classification: Uncertain significance for Primary ciliary dyskinesia 6. Last evaluated: 2025-06-04. Review status: criteria provided, single submitter. Criteria: Invitae Variant Classification Sherloc (09022015). Collection method: clinical testing. Allele origin: germline.
Comment: This sequence change creates a premature translational stop signal (p.Lys308*) in the NME8 gene. It is expected to result in an absent or disrupted protein product. However, the current clinical and genetic evidence is not sufficient to establish whether loss-of-function variants in NME8 cause disease. This variant is not present in population databases (gnomAD no frequency). This variant has not been reported in the literature in individuals affected with NME8-related conditions. ClinVar contains an entry for this variant (Variation ID: 3700179). In summary, the available evidence is currently insufficient to determine the role of this variant in disease. Therefore, it has been classified as a Variant of Uncertain Significance.